The following is an entry in ClinVar:

ClinVar aggregate classification (germline): Benign/Likely benign. Review status: criteria provided, multiple submitters, no conflicts (2 of 4 stars). 22 submissions from 17 submitters: Benign (15); Likely benign (4). 3 of the submissions do not count toward it. Last evaluated 2026-09-01.

Conditions:
Connective tissue disorder. Also called: Connective tissue disease. Identifiers: MedGen C0009782, MONDO:0003900.
Inborn genetic diseases. Identifiers: MedGen C0950123, MeSH D030342.
Charcot-Marie-Tooth disease. Also called: Charcot-Marie-Tooth Hereditary Neuropathy; Charcot-Marie-Tooth Neuropathy. Identifiers: Orphanet 166, MedGen C0007959, MONDO:0015626.
Scapuloperoneal spinal muscular atrophy (SPSMA). Also called: Scapuloperoneal Spinal Muscular Atrophy, TRPV4-Related; AMYOTROPHY, NEUROGENIC SCAPULOPERONEAL, NEW ENGLAND TYPE; Scapuloperoneal Form of Spinal Muscular Atrophy; Scapuloperoneal spinal muscular atrophy, autosomal dominant. Identifiers: Orphanet 431255, MedGen C0751335, MONDO:0008408, OMIM 181405.
Brachyrachia (short spine dysplasia) (BCYM3). Also called: Brachyolmia, TRPV4-Related; BRACHYRACHIA; Brachyolmia Type 3; Autosomal dominant brachyolmia. Identifiers: Orphanet 93304, MedGen C0432227, MONDO:0007232, OMIM 113500.
Spondylometaphyseal dysplasia, Kozlowski type (SMDK). Also called: Spondylometaphyseal Dysplasia, TRPV4-Related (Kozlowski Type); Dysmorphism arthrogryposis skeletal maturation advanced; Jequier-Kozlowski syndrome; Skeletal dysplasia Jequier-Kozlowski type; SMD Kozlowski type. Identifiers: Orphanet 93314, MedGen C0265280, MONDO:0008477, OMIM 184252.
Charcot-Marie-Tooth disease axonal type 2C (HMSN2C). Also called: Charcot-Marie-Tooth Disease Type 2, TRPV4-Related (CMT2C); CHARCOT-MARIE-TOOTH DISEASE, AXONAL, AUTOSOMAL DOMINANT, TYPE 2C; Charcot-Marie-Tooth Neuropathy Type 2C. Identifiers: Orphanet 99937, MedGen C1853710, MONDO:0011633, OMIM 606071.
Metatropic dysplasia (MTD). Also called: METATROPIC DWARFISM; Metatropic Dysplasia, TRPV4-Related; Metatropic dysplasia, nonlethal dominant. Identifiers: Orphanet 2635, MedGen C0265281, MONDO:0007986, OMIM 156530.
Neuronopathy, distal hereditary motor, autosomal dominant 8. Also called: SPINAL MUSCULAR ATROPHY, CONGENITAL BENIGN, WITH CONTRACTURES; NEURONOPATHY, DISTAL HEREDITARY MOTOR, TYPE VIII; NEUROPATHY, DISTAL HEREDITARY MOTOR, TYPE VIII; Autosomal dominant congenital benign spinal muscular atrophy. Identifiers: Orphanet 1216, MedGen C1838492, MONDO:0010839, OMIM 600175.

Allele frequency attached by ClinVar (database versions not stated): 1000 Genomes Project 0.00240; 1000 Genomes Project 30x 0.00250; TOPMed 0.00575; ExAC 0.00632; gnomAD exomes 0.00645 and 0.01041; gnomAD 0.00698 and 0.00718; ESP Exome Variant Server 0.00738.
gnomAD v4.1: 16,225 of 1,613,748 alleles (1%); highest among the groups gnomAD compares: Non-Finnish European, 1.2%; 104 homozygotes.

Submissions (22):

CeGaT Center for Human Genetics Tuebingen
Classification: Likely benign. Last evaluated: 2026-09-01. Review status: criteria provided, single submitter. Criteria: CeGaT Center For Human Genetics Tuebingen Variant Classification Criteria Version 2. Collection method: clinical testing. Allele origin: germline. Affected: yes. Observed: 50 variant alleles.
Comment: TRPV4: BP4, BS1

Labcorp Genetics (formerly Invitae), Labcorp
Classification: Benign for Charcot-Marie-Tooth disease axonal type 2C. Last evaluated: 2026-02-03. Review status: criteria provided, single submitter. Criteria: Invitae Variant Classification Sherloc (09022015). Collection method: clinical testing. Allele origin: germline.

Athena Diagnostics
Classification: Benign. Last evaluated: 2025-10-10. Review status: criteria provided, single submitter. Criteria: Athena Diagnostics Criteria. Collection method: clinical testing. Allele origin: unknown.
Comment: The frequency of this variant in the general population is higher than would generally be expected for pathogenic variants in this gene.

ARUP Laboratories, Molecular Genetics and Genomics, ARUP Laboratories
Classification: Benign. Last evaluated: 2025-03-14. Review status: criteria provided, single submitter. Criteria: ARUP Molecular Germline Variant Investigation Process 2024. Collection method: clinical testing. Allele origin: germline.

Mayo Clinic Laboratories, Mayo Clinic
Classification: Benign. Last evaluated: 2022-01-03. Review status: criteria provided, single submitter. Criteria: ACMG Guidelines, 2015. Collection method: clinical testing. Allele origin: germline. Observed: 30 variant alleles.

Genome Diagnostics Laboratory, The Hospital for Sick Children
Classification: Benign for Connective tissue disorder. Last evaluated: 2020-08-24. Review status: criteria provided, single submitter. Criteria: ACMG Guidelines, 2015. Collection method: clinical testing. Allele origin: germline.

Ambry Genetics
Classification: Likely benign for Inborn genetic diseases. Last evaluated: 2019-08-30. Review status: criteria provided, single submitter. Criteria: Ambry Variant Classification Scheme 2023. Collection method: clinical testing. Allele origin: germline.

Mendelics
Classification: Likely benign for Charcot-Marie-Tooth disease axonal type 2C. Last evaluated: 2019-05-28. Review status: criteria provided, single submitter. Criteria: Mendelics Assertion Criteria 2017. Collection method: clinical testing. Allele origin: unknown.

Illumina Laboratory Services, Illumina
Classification: Benign for Scapuloperoneal spinal muscular atrophy. Last evaluated: 2018-01-12. Review status: criteria provided, single submitter. Criteria: ICSL Variant Classification Criteria 13 December 2019. Collection method: clinical testing. Allele origin: germline.
Comment: This variant was observed in the ICSL laboratory as part of a predisposition screen in an ostensibly healthy population. It had not been previously curated by ICSL or reported in the Human Gene Mutation Database (HGMD: prior to June 1st, 2018), and was therefore a candidate for classification through an automated scoring system. Utilizing variant allele frequency, disease prevalence and penetrance estimates, and inheritance mode, an automated score was calculated to assess if this variant is too frequent to cause the disease. Based on the score and internal cut-off values, a variant classified as benign is not then subjected to further curation. The score for this variant resulted in a classification of benign for this disease.

Illumina Laboratory Services, Illumina
Classification: Benign for Neuronopathy, distal hereditary motor, autosomal dominant 8. Last evaluated: 2018-01-12. Review status: criteria provided, single submitter. Criteria: ICSL Variant Classification Criteria 13 December 2019. Collection method: clinical testing. Allele origin: germline.
Comment: the same text as in the submission from Illumina Laboratory Services, Illumina above.

Illumina Laboratory Services, Illumina
Classification: Benign for Metatropic dysplasia. Last evaluated: 2018-01-12. Review status: criteria provided, single submitter. Criteria: ICSL Variant Classification Criteria 13 December 2019. Collection method: clinical testing. Allele origin: germline.
Comment: the same text as in the submission from Illumina Laboratory Services, Illumina above.

Illumina Laboratory Services, Illumina
Classification: Benign for Charcot-Marie-Tooth disease axonal type 2C. Last evaluated: 2018-01-12. Review status: criteria provided, single submitter. Criteria: ICSL Variant Classification Criteria 13 December 2019. Collection method: clinical testing. Allele origin: germline.
Comment: the same text as in the submission from Illumina Laboratory Services, Illumina above.

Illumina Laboratory Services, Illumina
Classification: Benign for Spondylometaphyseal dysplasia, Kozlowski type. Last evaluated: 2018-01-12. Review status: criteria provided, single submitter. Criteria: ICSL Variant Classification Criteria 13 December 2019. Collection method: clinical testing. Allele origin: germline.
Comment: the same text as in the submission from Illumina Laboratory Services, Illumina above.

Illumina Laboratory Services, Illumina
Classification: Benign for Brachyrachia (short spine dysplasia). Last evaluated: 2018-01-12. Review status: criteria provided, single submitter. Criteria: ICSL Variant Classification Criteria 13 December 2019. Collection method: clinical testing. Allele origin: germline.
Comment: the same text as in the submission from Illumina Laboratory Services, Illumina above.

Center for Pediatric Genomic Medicine, Children's Mercy Hospital and Clinics
Classification: Likely benign. Last evaluated: 2017-06-15. Review status: criteria provided, single submitter. Criteria: ACMG Guidelines, 2015. Collection method: clinical testing. Allele origin: germline.

Eurofins Ntd Llc (ga)
Classification: Benign. Last evaluated: 2015-11-13. Review status: criteria provided, single submitter. Criteria: EGL Classification Definitions 2015. Collection method: clinical testing. Allele origin: germline. Observed: 2 variant alleles, 2 heterozygotes.

GeneDx
Classification: Benign. Last evaluated: 2014-05-06. Review status: criteria provided, single submitter. Criteria: GeneDx Variant Classification (06012015). Collection method: clinical testing. Allele origin: germline. Affected: yes.
Comment: This variant is considered likely benign or benign based on one or more of the following criteria: it is a conservative change, it occurs at a poorly conserved position in the protein, it is predicted to be benign by multiple in silico algorithms, and/or has population frequency not consistent with disease.

Molecular Genetics Laboratory, London Health Sciences Centre
Classification: Benign for Charcot-Marie-Tooth disease. Review status: criteria provided, single submitter. Criteria: ACMG Guidelines, 2015. Collection method: clinical testing. Allele origin: germline. Affected: yes.

PreventionGenetics, part of Exact Sciences
Classification: Benign. Review status: criteria provided, single submitter. Criteria: ACMG Guidelines, 2015. Collection method: clinical testing. Allele origin: germline.

Clinical Genetics, Academic Medical Center
Classification: Benign. Review status: no assertion criteria provided. Collection method: clinical testing. Allele origin: germline. Affected: yes. Study: VKGL Data-share Consensus. Not counted in ClinVar's aggregate classification.

Genome Diagnostics Laboratory, University Medical Center Utrecht
Classification: Benign. Review status: no assertion criteria provided. Collection method: clinical testing. Allele origin: germline. Affected: yes. Study: VKGL Data-share Consensus. Not counted in ClinVar's aggregate classification.

Laboratory of Diagnostic Genome Analysis, Leiden University Medical Center (LUMC)
Classification: Likely benign. Review status: no assertion criteria provided. Collection method: clinical testing. Allele origin: germline. Affected: yes. Study: VKGL Data-share Consensus. Not counted in ClinVar's aggregate classification.

Literature cited by the submitters: PubMed 22851605 (cited by Athena Diagnostics); PubMed 28898540 (cited by Athena Diagnostics); PubMed 35170874 (cited by Athena Diagnostics); PubMed 34426522 (cited by Athena Diagnostics).

NM_021625.5(TRPV4):c.2518G>A (p.Glu840Lys)

Gene: TRPV4 (transient receptor potential cation channel subfamily V member 4; minus strand). Cytogenetic location: 12q24.11.
Variant type: single nucleotide variant.
Coding change: c.2518G>A on transcript NM_021625.5 (MANE Select); coding-DNA position 2518, G replaced by A.
Protein change: p.Glu840Lys; replaces glutamic acid 840 with lysine.
Molecular consequence: missense variant.
Genome position (GRCh38, 1-based): chr12:109,783,719, C>T on the plus strand (G>A on the coding strand, the complement: TRPV4 is on the minus strand). VCF-style: chr12-109783719-C-T. GRCh37 (hg19) VCF-style: chr12-110221524-C-T.
Other names: p.E840K:GAG>AAG; c.2377G>A, p.Glu793Lys (NM_001177428.2); c.2416G>A, p.Glu806Lys (NM_001177431.2); c.2197G>A, p.Glu733Lys (NM_001177433.2); c.2338G>A, p.Glu780Lys (NM_147204.3); short protein forms E840K, E733K, E780K, E806K, E793K.
Identifiers: ClinVar variation 137726 (VCV000137726.70), dbSNP rs55728855, ClinGen allele CA291402.